The following is an entry in ClinVar:

ClinVar aggregate classification (germline): Uncertain significance (1 of 4 stars; one submission).

gnomAD v4.1: 3 of 1,614,132 alleles (0.00019%); highest among the groups gnomAD compares: African/African-American, 0.0013%; no homozygotes.

Submission:

Labcorp Genetics (formerly Invitae), Labcorp
Classification: Uncertain significance. Last evaluated: 2022-07-21. Review status: criteria provided, single submitter. Criteria: Invitae Variant Classification Sherloc (09022015). Collection method: clinical testing. Allele origin: germline.
Comment: In summary, the available evidence is currently insufficient to determine the role of this variant in disease. Therefore, it has been classified as a Variant of Uncertain Significance. Algorithms developed to predict the effect of missense changes on protein structure and function are either unavailable or do not agree on the potential impact of this missense change (SIFT: "Deleterious"; PolyPhen-2: "Possibly Damaging"; Align-GVGD: "Class C0"). This variant has not been reported in the literature in individuals affected with TCF20-related conditions. This variant is present in population databases (no rsID available, gnomAD 0.0009%). This sequence change replaces proline, which is neutral and non-polar, with arginine, which is basic and polar, at codon 1560 of the TCF20 protein (p.Pro1560Arg).

NM_001378418.1(TCF20):c.4679C>G (p.Pro1560Arg)

Gene: TCF20 (transcription factor 20; minus strand). Cytogenetic location: 22q13.2.
Variant type: single nucleotide variant.
Coding change: c.4679C>G on transcript NM_001378418.1 (MANE Select); coding-DNA position 4679, C replaced by G.
Protein change: p.Pro1560Arg; replaces proline 1560 with arginine.
Molecular consequence: missense variant.
Genome position (GRCh38, 1-based): chr22:42,210,627, G>C on the plus strand (C>G on the coding strand, the complement: TCF20 is on the minus strand). VCF-style: chr22-42210627-G-C. GRCh37 (hg19) VCF-style: chr22-42606633-G-C.
Other names: c.4679C>G, p.Pro1560Arg (NM_181492.3, NM_005650.4); short protein forms P1560R.
Identifiers: ClinVar variation 1959639 (VCV001959639.5), dbSNP rs1350056313, ClinGen allele CA411783725.
Genomic context (GRCh38, chr22:42,210,627, plus strand): 5'-TGTTTTTTTGGCTTTGGCTCTCCATCTGCAGAACCTTCTGGTATCTGTGGGGGCTGAGGG[G>C]GTGGAGGCGGTGGCTGCTGCTGTTTCTTTTGCTTATTCACACTACCAATGGGTCTCCCCT-3'
Protein context (NP_001365347.1, residues 1550-1570): QKKQQQPPPP[Pro1560Arg]PQPPQIPEGS